The following is an entry in ClinVar:

ClinVar aggregate classification (germline): Likely benign (1 of 4 stars; one submission).

Allele frequency attached by ClinVar (database versions not stated): 1000 Genomes Project 0.00280; 1000 Genomes Project 30x 0.00281; TOPMed 0.00684; gnomAD 0.01038 and 0.01088.
gnomAD v4.1: 1,589 of 152,364 alleles (1%); highest among the groups gnomAD compares: Non-Finnish European, 1.4%; 23 homozygotes.

Submission:

GeneDx
Classification: Likely benign. Last evaluated: 2018-06-14. Review status: criteria provided, single submitter. Criteria: GeneDx Variant Classification (06012015). Collection method: clinical testing. Allele origin: germline. Affected: yes.
Comment: This variant is considered likely benign or benign based on one or more of the following criteria: it is a conservative change, it occurs at a poorly conserved position in the protein, it is predicted to be benign by multiple in silico algorithms, and/or has population frequency not consistent with disease.

NM_005477.3(HCN4):c.1209+211A>G

Genes: HCN4 (hyperpolarization activated cyclic nucleotide gated potassium channel 4; minus strand), LOC105370890 (uncharacterized LOC105370890; plus strand). Cytogenetic location: 15q24.1.
Variant type: single nucleotide variant.
Coding change: c.1209+211A>G on transcript NM_005477.3 (MANE Select); 211 bases into the intron after coding-DNA position 1209, A replaced by G.
Molecular consequence: intron variant.
Genome position (GRCh38, 1-based): chr15:73,343,174, T>C on the plus strand (A>G on the coding strand, the complement: HCN4 is on the minus strand). VCF-style: chr15-73343174-T-C. GRCh37 (hg19) VCF-style: chr15-73635515-T-C.
Identifiers: ClinVar variation 675875 (VCV000675875.1), dbSNP rs140004192, ClinGen allele CA272684226.
Genomic context (GRCh38, chr15:73,343,174, plus strand): 5'-ATTTCTGTCTGTTTCTTCAGGTGAAAAATGAGTATATACATGTACCTATATGGTTCCCTC[T>C]ATAGCTGTTACACACTTCATTGAGATACTGCATGTAAAGTATCCAGCACATGATAAGAGG-3'